The following is an entry in ClinVar:

ClinVar aggregate classification (germline): Likely benign (1 of 4 stars; one submission).

Conditions:
PLS1-related disorder. Also called: PLS1-related condition.

gnomAD v4.1: 436 of 1,610,138 alleles (0.027%); highest among the groups gnomAD compares: Non-Finnish European, 0.032%; no homozygotes.

Submission:

PreventionGenetics, part of Exact Sciences
Classification: Likely benign for PLS1-related condition. Last evaluated: 2024-12-19. Review status: criteria provided, single submitter. Criteria: ACMG Guidelines, 2015. Collection method: clinical testing. Allele origin: germline.
Comment: This variant is classified as likely benign based on ACMG/AMP sequence variant interpretation guidelines (Richards et al. 2015 PMID: 25741868, with internal and published modifications).

NM_001145319.2(PLS1):c.363A>G (p.Ser121=)

Gene: PLS1 (plastin 1; plus strand). Cytogenetic location: 3q23.
Variant type: single nucleotide variant.
Coding change: c.363A>G on transcript NM_001145319.2 (MANE Select); coding-DNA position 363, A replaced by G.
Protein change: p.Ser121=; no amino-acid change (serine 121 retained).
Molecular consequence: synonymous variant.
Genome position (GRCh38, 1-based): chr3:142,671,121, A>G. VCF-style: chr3-142671121-A-G. GRCh37 (hg19) VCF-style: chr3-142389963-A-G.
Other names: c.363A>G, p.Ser121= (NM_001172312.2, NM_002670.3).
Identifiers: ClinVar variation 4984964 (VCV004984964.1).